The following is an entry in ClinVar:

NM_145207.3(AFG2A):c.1816A>G (p.Met606Val)

Gene: AFG2A (AAA ATPase AFG2A; plus strand). Cytogenetic location: 4q28.1.
Variant type: single nucleotide variant.
Coding change: c.1816A>G on transcript NM_145207.3 (MANE Select); coding-DNA position 1816, A replaced by G.
Protein change: p.Met606Val; replaces methionine 606 with valine.
Molecular consequence: missense variant.
Genome position (GRCh38, 1-based): chr4:122,979,333, A>G. VCF-style: chr4-122979333-A-G. GRCh37 (hg19) VCF-style: chr4-123900488-A-G.
Other names: c.1813A>G, p.Met605Val (NM_001317799.2, NM_001345856.2); c.1816A>G (NM_145207.2); short protein forms M605V, M606V.
Identifiers: ClinVar variation 1036388 (VCV001036388.6), dbSNP rs1407178956, ClinGen allele CA358093597.

ClinVar aggregate classification (germline): Uncertain significance. Review status: criteria provided, multiple submitters, no conflicts (2 of 4 stars). 3 submissions from 3 submitters: Uncertain significance (3). Last evaluated 2025-01-10.

Conditions:
Inborn genetic diseases. Identifiers: MedGen C0950123, MeSH D030342.
Microcephaly-intellectual disability-sensorineural hearing loss-epilepsy-abnormal muscle tone syndrome (NEDHSB). Also called: NEURODEVELOPMENTAL DISORDER WITH HEARING LOSS, SEIZURES, AND BRAIN ABNORMALITIES. Identifiers: Orphanet 457351, MedGen C4225276, MONDO:0014698, OMIM 616577.

Allele frequency attached by ClinVar (database versions not stated): gnomAD exomes below 0.00001 and 0.00001; TOPMed 0.00001.
gnomAD v4.1: 8 of 1,614,242 alleles (0.0005%); highest among the groups gnomAD compares: East Asian, 0.0022%; no homozygotes.

Submissions (3):

Ambry Genetics
Classification: Uncertain significance for Inborn genetic diseases. Last evaluated: 2025-01-10. Review status: criteria provided, single submitter. Criteria: Ambry Variant Classification Scheme 2023. Collection method: clinical testing. Allele origin: germline.

Labcorp Genetics (formerly Invitae), Labcorp
Classification: Uncertain significance for Microcephaly-intellectual disability-sensorineural hearing loss-epilepsy-abnormal muscle tone syndrome. Last evaluated: 2023-10-13. Review status: criteria provided, single submitter. Criteria: Invitae Variant Classification Sherloc (09022015). Collection method: clinical testing. Allele origin: germline.
Comment: This sequence change replaces methionine, which is neutral and non-polar, with valine, which is neutral and non-polar, at codon 606 of the SPATA5 protein (p.Met606Val). This variant is present in population databases (no rsID available, gnomAD 0.006%). This variant has not been reported in the literature in individuals affected with SPATA5-related conditions. ClinVar contains an entry for this variant (Variation ID: 1036388). Advanced modeling of protein sequence and biophysical properties (such as structural, functional, and spatial information, amino acid conservation, physicochemical variation, residue mobility, and thermodynamic stability) performed at Invitae indicates that this missense variant is not expected to disrupt SPATA5 protein function. In summary, the available evidence is currently insufficient to determine the role of this variant in disease. Therefore, it has been classified as a Variant of Uncertain Significance.

Blueprint Genetics
Classification: Uncertain significance. Last evaluated: 2022-12-14. Review status: criteria provided, single submitter. Criteria: ACMG Guidelines, 2015. Collection method: clinical testing. Allele origin: germline.